The following is an entry in ClinVar:

ClinVar aggregate classification (germline): Benign/Likely benign. Review status: criteria provided, multiple submitters, no conflicts (2 of 4 stars). 2 submissions from 2 submitters: Benign (1); Likely benign (1). Last evaluated 2024-11-06.

Conditions:
Papillary renal cell carcinoma type 1 (RCCP1). Also called: RENAL CELL CARCINOMA, PAPILLARY, 1, SOMATIC; Renal adenocarcinoma; Renal cell carcinoma 1; Renal cell carcinoma, somatic. Identifiers: Orphanet 47044, MedGen C1336839, OMIM 605074, HP:0011797.
Hereditary cancer-predisposing syndrome. Also called: Tumor predisposition; Hereditary Cancer Syndrome; Hereditary neoplastic syndrome; Neoplastic Syndromes, Hereditary. Identifiers: Orphanet 140162, MedGen C0027672, MeSH D009386, MONDO:0015356.

Submissions (2):

Myriad Genetics, Inc.
Classification: Benign for Papillary renal cell carcinoma type 1. Last evaluated: 2024-11-06. Review status: criteria provided, single submitter. Criteria: Myriad Autosomal Dominant, Autosomal Recessive and X-Linked Classification Criteria (2023). Collection method: clinical testing. Allele origin: unknown.
Comment: This variant is considered benign. This variant is a silent/synonymous amino acid change and it is not expected to impact splicing.

Ambry Genetics
Classification: Likely benign for Hereditary cancer-predisposing syndrome. Last evaluated: 2024-04-27. Review status: criteria provided, single submitter. Criteria: Ambry Variant Classification Scheme 2023. Collection method: clinical testing. Allele origin: germline.

NM_000245.4(MET):c.655C>T (p.Leu219=)

Gene: MET (MET proto-oncogene, receptor tyrosine kinase; plus strand). Cytogenetic location: 7q31.2.
Variant type: single nucleotide variant.
Coding change: c.655C>T on transcript NM_000245.4 (MANE Select); coding-DNA position 655, C replaced by T.
Protein change: p.Leu219=; no amino-acid change (leucine 219 retained).
Molecular consequence: synonymous variant. On other transcripts: intron variant (1).
Genome position (GRCh38, 1-based): chr7:116,699,739, C>T. VCF-style: chr7-116699739-C-T. GRCh37 (hg19) VCF-style: chr7-116339793-C-T.
Other names: c.655C>T, p.Leu219= (NM_001127500.3, NM_001324401.3); c.-91+27162C>T (NM_001324402.2).
Identifiers: ClinVar variation 3294345 (VCV003294345.2).
Genomic context (GRCh38, chr7:116,699,739, plus strand): 5'-AATACCATAAATTCTTCTTATTTCCCAGATCATCCATTGCATTCGATATCAGTGAGAAGG[C>T]TAAAGGAAACGAAAGATGGTTTTATGTTTTTGACGGACCAGTCCTACATTGATGTTTTAC-3'
Protein context (NP_000236.2, residues 209-229): HPLHSISVRR[Leu219=]KETKDGFMFL